The following is an entry in ClinVar:

ClinVar aggregate classification (germline): Conflicting classifications of pathogenicity. Review status: criteria provided, conflicting classifications (1 of 4 stars). 3 submissions from 3 submitters: Uncertain significance (2); Likely benign (1). Last evaluated 2024-05-30.

Conditions:
Inborn genetic diseases. Identifiers: MedGen C0950123, MeSH D030342.
Epilepsy, X-linked 1, with variable learning disabilities and behavior disorders. Also called: X-linked epilepsy-learning disabilities-behavior disorders syndrome. Identifiers: Orphanet 85294, MedGen C5774177, MONDO:0010339, OMIM 300491.

Allele frequency attached by ClinVar (database versions not stated): gnomAD exomes 0.00002 and 0.00005; ExAC 0.00003.
gnomAD v4.1: 22 of 1,211,862 alleles (0.0018%); highest among the groups gnomAD compares: South Asian, 0.039%; no homozygotes.

Submissions (3):

Ambry Genetics
Classification: Likely benign for Inborn genetic diseases. Last evaluated: 2024-05-30. Review status: criteria provided, single submitter. Criteria: Ambry Variant Classification Scheme 2023. Collection method: clinical testing. Allele origin: germline.

Labcorp Genetics (formerly Invitae), Labcorp
Classification: Uncertain significance for Epilepsy, X-linked 1, with variable learning disabilities and behavior disorders. Last evaluated: 2024-02-18. Review status: criteria provided, single submitter. Criteria: Invitae Variant Classification Sherloc (09022015). Collection method: clinical testing. Allele origin: germline.
Comment: This sequence change replaces valine, which is neutral and non-polar, with isoleucine, which is neutral and non-polar, at codon 282 of the SYN1 protein (p.Val282Ile). This variant is present in population databases (rs753751194, gnomAD 0.05%). This variant has not been reported in the literature in individuals affected with SYN1-related conditions. ClinVar contains an entry for this variant (Variation ID: 207467). An algorithm developed to predict the effect of missense changes on protein structure and function (PolyPhen-2) suggests that this variant is likely to be disruptive. In summary, the available evidence is currently insufficient to determine the role of this variant in disease. Therefore, it has been classified as a Variant of Uncertain Significance.

GeneDx
Classification: Uncertain significance. Last evaluated: 2013-04-30. Review status: criteria provided, single submitter. Criteria: GeneDx Variant Classification (06012015). Collection method: clinical testing. Allele origin: germline. Affected: yes.
Comment: p.Val282Ile (GTT>ATT): c.844 G>A The Val282Ile missense change has not been published as a mutation, nor has it been reported as a benign polymorphism to our knowledge. It was not observed in approximately 6,500 individuals of European and African American ancestry in the NHLBI Exome Sequencing Project, indicating it is not a common benign variant in these populations. The amino acid substitution is conservative as both Valine and Isoleucine are uncharged, non-polar amino acid residues. Val282Ile alters a conserved position in the synapsin-1 protein; however, to our knowledge, other missense mutations at nearby codons have not been reported in association with epilepsy. In addition, while one in-silico model predicts Val282Ile may be damaging to the structure/function of the protein, two other models predict it may be benign. The variant is found in EPILEPSY panel(s).

NM_006950.3(SYN1):c.844G>A (p.Val282Ile)

Gene: SYN1 (synapsin I; minus strand). Cytogenetic location: Xp11.3.
Variant type: single nucleotide variant.
Coding change: c.844G>A on transcript NM_006950.3 (MANE Select); coding-DNA position 844, G replaced by A.
Protein change: p.Val282Ile; replaces valine 282 with isoleucine.
Molecular consequence: missense variant.
Genome position (GRCh38, 1-based): chrX:47,576,634, C>T on the plus strand (G>A on the coding strand, the complement: SYN1 is on the minus strand). VCF-style: chrX-47576634-C-T. GRCh37 (hg19) VCF-style: chrX-47436033-C-T.
Other names: p.V282I:GTT>ATT; c.844G>A, p.Val282Ile (NM_133499.2); short protein forms V282I.
Identifiers: ClinVar variation 207467 (VCV000207467.5), dbSNP rs753751194, ClinGen allele CA318940.